The following is an entry in ClinVar:

NM_144691.4(CAPN12):c.1227T>G (p.Ala409=)

Gene: CAPN12 (calpain 12; minus strand). Cytogenetic location: 19q13.2.
Variant type: single nucleotide variant.
Coding change: c.1227T>G on transcript NM_144691.4 (MANE Select); coding-DNA position 1227, T replaced by G.
Protein change: p.Ala409=; no amino-acid change (alanine 409 retained).
Molecular consequence: synonymous variant.
Genome position (GRCh38, 1-based): chr19:38,737,291, A>C on the plus strand (T>G on the coding strand, the complement: CAPN12 is on the minus strand). VCF-style: chr19-38737291-A-C. GRCh37 (hg19) VCF-style: chr19-39227931-A-C.
Identifiers: ClinVar variation 3033537 (VCV003033537.2), dbSNP rs1227359941, ClinGen allele CA507356596.

ClinVar aggregate classification (germline): Likely benign (0 of 4 stars; one submission).

Conditions:
CAPN12-related disorder. Also called: CAPN12-related condition.

Submission:

PreventionGenetics, part of Exact Sciences
Classification: Likely benign for CAPN12-related condition. Last evaluated: 2019-02-25. Review status: no assertion criteria provided. Collection method: clinical testing. Allele origin: germline.
Comment: This variant is classified as likely benign based on ACMG/AMP sequence variant interpretation guidelines (Richards et al. 2015 PMID: 25741868, with internal and published modifications).